The following is an entry in ClinVar:

NM_032043.3(BRIP1):c.3428A>G (p.Asp1143Gly)

Gene: BRIP1 (BRCA1 interacting DNA helicase 1; minus strand). Cytogenetic location: 17q23.2.
Variant type: single nucleotide variant.
Coding change: c.3428A>G on transcript NM_032043.3 (MANE Select); coding-DNA position 3428, A replaced by G.
Protein change: p.Asp1143Gly; replaces aspartic acid 1143 with glycine.
Molecular consequence: missense variant.
Genome position (GRCh38, 1-based): chr17:61,683,618, T>C on the plus strand (A>G on the coding strand, the complement: BRIP1 is on the minus strand). VCF-style: chr17-61683618-T-C. GRCh37 (hg19) VCF-style: chr17-59760979-T-C.
Other names: short protein forms D1143G.
Identifiers: ClinVar variation 838467 (VCV000838467.11), dbSNP rs2061307264, ClinGen allele CA400478749.
Genomic context (GRCh38, chr17:61,683,618, plus strand): 5'-TCTGAATTGTTAGCCAATCTATTTCCTCTATCAGTTTCAGCTAGGTCATTTTTTTCTTCA[T>C]CTGTATCTTCAGGATCATAAAGTTCAGGTGTAAAATAGATAGATTCATCTTCTGCTTCTG-3'
Protein context (NP_114432.2, residues 1133-1153): TPELYDPEDT[Asp1143Gly]EEKNDLAETD

ClinVar aggregate classification (germline): Uncertain significance. Review status: criteria provided, multiple submitters, no conflicts (2 of 4 stars). 2 submissions from 2 submitters: Uncertain significance (2). Last evaluated 2025-10-03.

Conditions:
Familial cancer of breast. Also called: BREAST CANCER, FAMILIAL; hereditary breast carcinoma; Hereditary breast cancer. Identifiers: Orphanet 227535, MedGen C0346153, MONDO:0016419, OMIM 114480. Disease mechanism: loss of function.
Fanconi anemia complementation group J. Also called: BRIP1-Related Fanconi Anemia. Identifiers: Orphanet 84, MedGen C1836860, MONDO:0012187, OMIM 609054.
Hereditary cancer-predisposing syndrome. Also called: Neoplastic Syndromes, Hereditary; Hereditary neoplastic syndrome; Tumor predisposition; Hereditary Cancer Syndrome. Identifiers: Orphanet 140162, MedGen C0027672, MeSH D009386, MONDO:0015356.

Submissions (2):

Ambry Genetics
Classification: Uncertain significance for Hereditary cancer-predisposing syndrome. Last evaluated: 2025-10-03. Review status: criteria provided, single submitter. Criteria: Ambry Variant Classification Scheme 2023. Collection method: clinical testing. Allele origin: germline.
Comment: The p.D1143G variant (also known as c.3428A>G), located in coding exon 19 of the BRIP1 gene, results from an A to G substitution at nucleotide position 3428. The aspartic acid at codon 1143 is replaced by glycine, an amino acid with similar properties. This amino acid position is conserved. In addition, this alteration is predicted to be tolerated by in silico analysis. Based on the available evidence, the clinical significance of this variant remains unclear.

Labcorp Genetics (formerly Invitae), Labcorp
Classification: Uncertain significance for Familial cancer of breast; Fanconi anemia complementation group J. Last evaluated: 2025-07-06. Review status: criteria provided, single submitter. Criteria: Invitae Variant Classification Sherloc (09022015). Collection method: clinical testing. Allele origin: germline.
Comment: This sequence change replaces aspartic acid, which is acidic and polar, with glycine, which is neutral and non-polar, at codon 1143 of the BRIP1 protein (p.Asp1143Gly). This variant is not present in population databases (gnomAD no frequency). This variant has not been reported in the literature in individuals affected with BRIP1-related conditions. ClinVar contains an entry for this variant (Variation ID: 838467). Invitae Evidence Modeling of protein sequence and biophysical properties (such as structural, functional, and spatial information, amino acid conservation, physicochemical variation, residue mobility, and thermodynamic stability) indicates that this missense variant is not expected to disrupt BRIP1 protein function with a negative predictive value of 95%. In summary, the available evidence is currently insufficient to determine the role of this variant in disease. Therefore, it has been classified as a Variant of Uncertain Significance.